The following is an entry in ClinVar:

ClinVar aggregate classification (germline): Uncertain significance (1 of 4 stars; one submission).

Conditions:
Cardiovascular phenotype. Identifiers: MedGen CN230736.

Submission:

Ambry Genetics
Classification: Uncertain significance for Cardiovascular phenotype. Last evaluated: 2024-10-28. Review status: criteria provided, single submitter. Criteria: Ambry Variant Classification Scheme 2023. Collection method: clinical testing. Allele origin: germline.
Comment: The p.P283T variant (also known as c.847C>A), located in coding exon 2 of the NKX2-5 gene, results from a C to A substitution at nucleotide position 847. The proline at codon 283 is replaced by threonine, an amino acid with highly similar properties. This amino acid position is conserved. In addition, this alteration is predicted to be tolerated by in silico analysis. Based on the available evidence, the clinical significance of this variant remains unclear.

NM_004387.4(NKX2-5):c.847C>A (p.Pro283Thr)

Gene: NKX2-5 (NK2 homeobox 5; minus strand). Cytogenetic location: 5q35.1.
Variant type: single nucleotide variant.
Coding change: c.847C>A on transcript NM_004387.4 (MANE Select); coding-DNA position 847, C replaced by A.
Protein change: p.Pro283Thr; replaces proline 283 with threonine.
Molecular consequence: missense variant. On other transcripts: 3 prime UTR variant (2).
Genome position (GRCh38, 1-based): chr5:173,232,697, G>T on the plus strand (C>A on the coding strand, the complement: NKX2-5 is on the minus strand). VCF-style: chr5-173232697-G-T. GRCh37 (hg19) VCF-style: chr5-172659700-G-T.
Other names: c.*800C>A (NM_001166175.2); c.*646C>A (NM_001166176.2); short protein forms P283T.
Identifiers: ClinVar variation 3405924 (VCV003405924.1).